The following is an entry in ClinVar:

NM_000103.4(CYP19A1):c.*280A>T

Genes: MIR4713HG (MIR4713 host gene; plus strand), CYP19A1 (cytochrome P450 family 19 subfamily A member 1; minus strand), PIRC66 (piwi-interacting RNA cluster 66; plus strand). Cytogenetic location: 15q21.2.
Variant type: single nucleotide variant.
Coding change: c.*280A>T on transcript NM_000103.4 (MANE Select); 280 bases downstream of the stop codon, A replaced by T.
Molecular consequence: 3 prime UTR variant.
Genome position (GRCh38, 1-based): chr15:51,210,528, T>A on the plus strand (A>T on the coding strand, the complement: CYP19A1 is on the minus strand). VCF-style: chr15-51210528-T-A. GRCh37 (hg19) VCF-style: chr15-51502725-T-A.
Other names: c.*280A>T (NM_001347248.1, NM_001347249.2, NM_001347250.2 and 7 more transcripts).
Identifiers: ClinVar variation 316463 (VCV000316463.5), dbSNP rs77828415, ClinGen allele CA10646242.

ClinVar aggregate classification (germline): Benign (1 of 4 stars; one submission).

Conditions:
Aromatase deficiency. Also called: Increased aromatase activity; PSEUDOHERMAPHRODITISM, FEMALE, DUE TO PLACENTAL AROMATASE DEFICIENCY. Identifiers: Orphanet 91, MedGen C1960539, MONDO:0013301, OMIM 613546.

Allele frequency attached by ClinVar (database versions not stated): gnomAD 0.00341; TOPMed 0.00479; 1000 Genomes Project 30x 0.01046; 1000 Genomes Project 0.01098.
gnomAD v4.1: 1,620 of 585,826 alleles (0.28%); highest among the groups gnomAD compares: East Asian, 4.8%; 35 homozygotes.

Submission:

Illumina Laboratory Services, Illumina
Classification: Benign for Aromatase deficiency. Last evaluated: 2018-01-12. Review status: criteria provided, single submitter. Criteria: ICSL Variant Classification Criteria 13 December 2019. Collection method: clinical testing. Allele origin: germline.
Comment: This variant was observed in the ICSL laboratory as part of a predisposition screen in an ostensibly healthy population. It had not been previously curated by ICSL or reported in the Human Gene Mutation Database (HGMD: prior to June 1st, 2018), and was therefore a candidate for classification through an automated scoring system. Utilizing variant allele frequency, disease prevalence and penetrance estimates, and inheritance mode, an automated score was calculated to assess if this variant is too frequent to cause the disease. Based on the score and internal cut-off values, a variant classified as benign is not then subjected to further curation. The score for this variant resulted in a classification of benign for this disease.